The following is an entry in ClinVar:

NM_022124.6(CDH23):c.6170T>C (p.Ile2057Thr)

Gene: CDH23 (cadherin related 23; plus strand). Cytogenetic location: 10q22.1.
Variant type: single nucleotide variant.
Coding change: c.6170T>C on transcript NM_022124.6 (MANE Select); coding-DNA position 6170, T replaced by C.
Protein change: p.Ile2057Thr; replaces isoleucine 2057 with threonine.
Molecular consequence: missense variant.
Genome position (GRCh38, 1-based): chr10:71,791,252, T>C. VCF-style: chr10-71791252-T-C. GRCh37 (hg19) VCF-style: chr10-73551009-T-C.
Other names: short protein forms I2057T.
Identifiers: ClinVar variation 2085172 (VCV002085172.5), dbSNP rs186693562, ClinGen allele CA5546016.

ClinVar aggregate classification (germline): Uncertain significance. Review status: criteria provided, multiple submitters, no conflicts (2 of 4 stars). 3 submissions from 3 submitters: Uncertain significance (3). Last evaluated 2026-01-27.

Conditions:
Inborn genetic diseases. Identifiers: MedGen C0950123, MeSH D030342.

Allele frequency attached by ClinVar (database versions not stated): ExAC 0.00002; gnomAD exomes 0.00002; gnomAD 0.00013; ESP Exome Variant Server 0.00015; TOPMed 0.00017; 1000 Genomes Project 0.00020; 1000 Genomes Project 30x 0.00031.
gnomAD v4.1: 43 of 1,613,818 alleles (0.0027%); highest among the groups gnomAD compares: African/African-American, 0.056%; no homozygotes.

Submissions (3):

GeneDx
Classification: Uncertain significance. Last evaluated: 2026-01-27. Review status: criteria provided, single submitter. Criteria: GeneDx Variant Classification Process June 2021. Collection method: clinical testing. Allele origin: germline.
Comment: In silico analysis supports that this missense variant has a deleterious effect on protein structure/function; Has not been previously published as pathogenic or benign to our knowledge

Ambry Genetics
Classification: Uncertain significance for Inborn genetic diseases. Last evaluated: 2025-09-24. Review status: criteria provided, single submitter. Criteria: Ambry Variant Classification Scheme 2023. Collection method: clinical testing. Allele origin: germline.

Labcorp Genetics (formerly Invitae), Labcorp
Classification: Uncertain significance. Last evaluated: 2025-01-23. Review status: criteria provided, single submitter. Criteria: Invitae Variant Classification Sherloc (09022015). Collection method: clinical testing. Allele origin: germline.
Comment: This sequence change replaces isoleucine, which is neutral and non-polar, with threonine, which is neutral and polar, at codon 2057 of the CDH23 protein (p.Ile2057Thr). This variant is present in population databases (rs186693562, gnomAD 0.03%). This variant has not been reported in the literature in individuals affected with CDH23-related conditions. ClinVar contains an entry for this variant (Variation ID: 2085172). Invitae Evidence Modeling of protein sequence and biophysical properties (such as structural, functional, and spatial information, amino acid conservation, physicochemical variation, residue mobility, and thermodynamic stability) has been performed for this missense variant. However, the output from this modeling did not meet the statistical confidence thresholds required to predict the impact of this variant on CDH23 protein function. In summary, the available evidence is currently insufficient to determine the role of this variant in disease. Therefore, it has been classified as a Variant of Uncertain Significance.